The following is an entry in ClinVar:

ClinVar aggregate classification (germline): Uncertain significance (1 of 4 stars; one submission).

Conditions:
Multiple endocrine neoplasia, type 1 (MEN1). Also called: MEN I; WERMER SYNDROME; Endocrine adenomatosis multiple; MEN 1; MEA I. Identifiers: Orphanet 652, MedGen C0025267, MeSH D018761, MONDO:0007540, OMIM 131100.

Submission:

Labcorp Genetics (formerly Invitae), Labcorp
Classification: Uncertain significance for Multiple endocrine neoplasia, type 1. Last evaluated: 2022-07-19. Review status: criteria provided, single submitter. Criteria: Invitae Variant Classification Sherloc (09022015). Collection method: clinical testing. Allele origin: germline.
Comment: In summary, the available evidence is currently insufficient to determine the role of this variant in disease. Therefore, it has been classified as a Variant of Uncertain Significance. Variants that disrupt the consensus splice site are a relatively common cause of aberrant splicing (PMID: 17576681, 9536098). Algorithms developed to predict the effect of sequence changes on RNA splicing suggest that this variant may disrupt the consensus splice site. ClinVar contains an entry for this variant (Variation ID: 578614). This variant has not been reported in the literature in individuals affected with MEN1-related conditions. This variant is not present in population databases (gnomAD no frequency). This sequence change falls in intron 9 of the MEN1 gene. It does not directly change the encoded amino acid sequence of the MEN1 protein. It affects a nucleotide within the consensus splice site.

Literature cited by the submitters: PubMed 17576681; PubMed 9536098.

NM_001370259.2(MEN1):c.1350+5G>A

Gene: MEN1 (menin 1; minus strand). Cytogenetic location: 11q13.1.
Variant type: single nucleotide variant.
Coding change: c.1350+5G>A on transcript NM_001370259.2 (MANE Select); 5 bases into the intron after coding-DNA position 1350, G replaced by A.
Molecular consequence: intron variant.
Genome position (GRCh38, 1-based): chr11:64,805,029, C>T on the plus strand (G>A on the coding strand, the complement: MEN1 is on the minus strand). VCF-style: chr11-64805029-C-T. GRCh37 (hg19) VCF-style: chr11-64572501-C-T.
Other names: c.1365+5G>A (NM_130804.3, NM_130803.3, NM_000244.4 and 3 more transcripts); c.1350+5G>A (NM_130799.3, NM_001370260.2, NM_001370261.2); c.1476+5G>A (NM_001370251.2); c.1245+5G>A (NM_001370263.2, NM_001370262.2).
Identifiers: ClinVar variation 578614 (VCV000578614.6), dbSNP rs1565639811, ClinGen allele CA891843129.
Genomic context (GRCh38, chr11:64,805,029, plus strand): 5'-TCTGACAAGCCCGTGGCTGCTGTCACCACCTGTAGTGCCCAGACCTCTGTGCAGCTGTCC[C>T]TCACCTGTCCCTCAAAACGGCCTAGGGACTGCACAAGAAAGGTGGCCCAGCCCACATGCA-3'